The following is an entry in ClinVar:

ClinVar aggregate classification (germline): Uncertain significance. Review status: criteria provided, multiple submitters, no conflicts (2 of 4 stars). 2 submissions from 2 submitters: Uncertain significance (2). Last evaluated 2025-08-25.

Conditions:
Lamb-Shaffer syndrome. Identifiers: Orphanet 313884, Orphanet 313892, Orphanet 530983, MedGen C4225202, MONDO:0014778, OMIM 616803.

Submissions (2):

Daryl Scott Lab, Baylor College of Medicine
Classification: Uncertain significance for Lamb-Shaffer syndrome. Last evaluated: 2025-08-25. Review status: criteria provided, single submitter. Criteria: ACMG Guidelines, 2015. Collection method: clinical testing. Allele origin: unknown. Affected: yes. Observed: 1 heterozygote.
Comment: PM2

Baylor Genetics
Classification: Uncertain significance for Lamb-Shaffer syndrome. Last evaluated: 2020-02-16. Review status: criteria provided, single submitter. Criteria: ACMG Guidelines, 2015. Collection method: clinical testing. Allele origin: unknown. Affected: yes.
Comment: This variant was determined to be of uncertain significance according to ACMG Guidelines, 2015 [PMID:25741868].

NM_006940.6(SOX5):c.251C>T (p.Thr84Ile)

Gene: SOX5 (SRY-box transcription factor 5; minus strand). Cytogenetic location: 12p12.1.
Variant type: single nucleotide variant.
Coding change: c.251C>T on transcript NM_006940.6 (MANE Select); coding-DNA position 251, C replaced by T.
Protein change: p.Thr84Ile; replaces threonine 84 with isoleucine.
Molecular consequence: missense variant. On other transcripts: intron variant (1).
Genome position (GRCh38, 1-based): chr12:23,895,812, G>A on the plus strand (C>T on the coding strand, the complement: SOX5 is on the minus strand). VCF-style: chr12-23895812-G-A. GRCh37 (hg19) VCF-style: chr12-24048746-G-A.
Other names: c.251C>T (NM_006940.3); c.212C>T, p.Thr71Ile (NM_001261414.3, NM_152989.5); c.221C>T, p.Thr74Ile (NM_001261415.3); c.165+86C>T (NM_001330785.2); short protein forms T74I, T71I, T84I.
Identifiers: ClinVar variation 1027696 (VCV001027696.2), dbSNP rs772035716, ClinGen allele CA234606418.
Genomic context (GRCh38, chr12:23,895,812, plus strand): 5'-CAAAAAGTGAGTGTAGGCACAATAAACCATGAGAAACCTACCATTGTATTGTGCTGAGAA[G>A]TGGGAGTCCTATGGCCACAAGTCTCTTGCGTCAGCAGAGAAACTGGCTGAAATTCCTCAG-3'
Protein context (NP_008871.3, residues 74-94): TQETCGHRTP[Thr84Ile]SQHNTMEVDG